The following is an entry in ClinVar:

ClinVar aggregate classification (germline): Conflicting classifications of pathogenicity. Review status: criteria provided, conflicting classifications (1 of 4 stars). 3 submissions from 3 submitters: Uncertain significance (1); Likely benign (2). Last evaluated 2024-10-12.

Conditions:
Cardiovascular phenotype. Identifiers: MedGen CN230736.
Osteogenesis imperfecta type I (OI1). Also called: Classic Non-deforming Osteogenesis Imperfecta with Blue Sclerae; Osteogenesis imperfecta type 1; Lobstein disease; Lobstein's Disease; OI, TYPE I; OSTEOGENESIS IMPERFECTA TARDA. Identifiers: Orphanet 216796, Orphanet 666, MedGen C0023931, MONDO:0008146, OMIM 166200. Disease mechanism: loss of function.
Ehlers-Danlos syndrome, classic type, 1 (EDSCL1). Also called: EHLERS-DANLOS SYNDROME, GRAVIS TYPE; EHLERS-DANLOS SYNDROME, SEVERE CLASSIC TYPE; EDS I; Ehlers-Danlos syndrome, type 1; Ehlers-Danlos Syndrome, Classic Type, COL5A1-Related. Identifiers: MedGen C0268335, MONDO:0019567, OMIM 130000.

Allele frequency attached by ClinVar (database versions not stated): TOPMed 0.00001; ExAC 0.00005; gnomAD 0.00006; ESP Exome Variant Server 0.00008.
gnomAD v4.1: 152 of 1,613,154 alleles (0.0094%); highest among the groups gnomAD compares: Middle Eastern, 0.017%; no homozygotes.

Submissions (3):

Labcorp Genetics (formerly Invitae), Labcorp
Classification: Likely benign for Osteogenesis imperfecta type I; Ehlers-Danlos syndrome, classic type, 1. Last evaluated: 2024-10-12. Review status: criteria provided, single submitter. Criteria: Invitae Variant Classification Sherloc (09022015). Collection method: clinical testing. Allele origin: germline.

Ambry Genetics
Classification: Uncertain significance for Cardiovascular phenotype. Last evaluated: 2023-10-26. Review status: criteria provided, single submitter. Criteria: Ambry Variant Classification Scheme 2023. Collection method: clinical testing. Allele origin: germline.
Comment: The p.V957I variant (also known as c.2869G>A), located in coding exon 44 of the COL1A2 gene, results from a G to A substitution at nucleotide position 2869. The valine at codon 957 is replaced by isoleucine, an amino acid with highly similar properties. This amino acid position is poorly conserved in available vertebrate species. In addition, the in silico prediction for this alteration is inconclusive. Since supporting evidence is limited at this time, the clinical significance of this alteration remains unclear.

Blueprint Genetics
Classification: Likely benign. Last evaluated: 2020-12-03. Review status: criteria provided, single submitter. Criteria: ACMG Guidelines, 2015. Collection method: clinical testing. Allele origin: germline.

NM_000089.4(COL1A2):c.2869G>A (p.Val957Ile)

Gene: COL1A2 (collagen type I alpha 2 chain; plus strand). Cytogenetic location: 7q21.3.
Variant type: single nucleotide variant.
Coding change: c.2869G>A on transcript NM_000089.4 (MANE Select); coding-DNA position 2869, G replaced by A.
Protein change: p.Val957Ile; replaces valine 957 with isoleucine.
Molecular consequence: missense variant.
Genome position (GRCh38, 1-based): chr7:94,425,783, G>A. VCF-style: chr7-94425783-G-A. GRCh37 (hg19) VCF-style: chr7-94055095-G-A.
Other names: short protein forms V957I.
Identifiers: ClinVar variation 2923223 (VCV002923223.5), dbSNP rs150867327, ClinGen allele CA4347587.